The following is an entry in ClinVar:

ClinVar aggregate classification (germline): Uncertain significance. Review status: criteria provided, single submitter (1 of 4 stars). 2 submissions from 2 submitters: Uncertain significance (1). 1 of the submissions does not count toward it. Last evaluated 2025-09-13.

Conditions:
Hypertrophic cardiomyopathy 1 (CMH1). Also called: Familial hypertrophic cardiomyopathy 1; MYH7-Related Familial Hypertrophic Cardiomyopathy. Identifiers: MedGen C3495498, MONDO:0008647, OMIM 192600.
Cardiomyopathy (CMYO). Also called: Cardiomyopathies. Identifiers: Orphanet 167848, MedGen C0878544, MONDO:0004994, HP:0001638. Inheritance: Various modes of inheritance.

Submissions (2):

Color Diagnostics, LLC DBA Color Health
Classification: Uncertain significance for Cardiomyopathy. Last evaluated: 2025-09-13. Review status: criteria provided, single submitter. Criteria: ACMG Guidelines, 2015. Collection method: clinical testing. Allele origin: germline.
Comment: This missense variant replaces threonine with serine at codon 1021 of the MYH7 protein. Computational prediction suggests that this variant may not impact protein structure and function. To our knowledge, functional studies have not been reported for this variant. This variant has not been reported in individuals affected with MYH7-related disorders in the literature. This variant has not been identified in the general population by the Genome Aggregation Database (gnomAD). The available evidence is insufficient to determine the role of this variant in disease conclusively. Therefore, this variant is classified as a Variant of Uncertain Significance.

Institute of Human Genetics, University of Wuerzburg
Classification: Uncertain significance for Hypertrophic cardiomyopathy 1. Review status: no assertion criteria provided. Collection method: clinical testing. Allele origin: unknown. Affected: yes. Observed: 1 variant allele. Not counted in ClinVar's aggregate classification.

NM_000257.4(MYH7):c.3062C>G (p.Thr1021Ser)

Gene: MYH7 (myosin heavy chain 7; minus strand). Cytogenetic location: 14q11.2.
Variant type: single nucleotide variant.
Coding change: c.3062C>G on transcript NM_000257.4 (MANE Select); coding-DNA position 3062, C replaced by G.
Protein change: p.Thr1021Ser; replaces threonine 1021 with serine.
Molecular consequence: missense variant.
Genome position (GRCh38, 1-based): chr14:23,423,584, G>C on the plus strand (C>G on the coding strand, the complement: MYH7 is on the minus strand). VCF-style: chr14-23423584-G-C. GRCh37 (hg19) VCF-style: chr14-23892793-G-C.
Other names: c.3062C>G, p.Thr1021Ser (NM_001407004.1); short protein forms T1021S.
Identifiers: ClinVar variation 3255522 (VCV003255522.2).